The following is an entry in ClinVar:

NM_012203.2(GRHPR):c.97C>T (p.Gln33Ter)

Gene: GRHPR (glyoxylate and hydroxypyruvate reductase; plus strand). Cytogenetic location: 9p13.2.
Variant type: single nucleotide variant.
Coding change: c.97C>T on transcript NM_012203.2 (MANE Select); coding-DNA position 97, C replaced by T.
Protein change: p.Gln33Ter; replaces glutamine 33 with a stop codon.
Molecular consequence: nonsense.
Genome position (GRCh38, 1-based): chr9:37,424,858, C>T. VCF-style: chr9-37424858-C-T. GRCh37 (hg19) VCF-style: chr9-37424855-C-T.
Other names: short protein forms Q33*.
Identifiers: ClinVar variation 2850596 (VCV002850596.5), dbSNP rs2489231853, ClinGen allele CA373441367.

ClinVar aggregate classification (germline): Pathogenic. Review status: criteria provided, multiple submitters, no conflicts (2 of 4 stars). 2 submissions from 2 submitters: Pathogenic (2). Last evaluated 2024-02-11.

Conditions:
Primary hyperoxaluria, type II (HP2). Also called: D-GLYCERATE DEHYDROGENASE DEFICIENCY; GLYCERIC ACIDURIA; GLYOXYLATE REDUCTASE/HYDROXYPYRUVATE REDUCTASE DEFICIENCY; OXALOSIS II; Primary hyperoxaluria type 2. Identifiers: Orphanet 416, Orphanet 93599, MedGen C0268165, MONDO:0009824, OMIM 260000. Disease mechanism: loss of function.

Submissions (2):

Labcorp Genetics (formerly Invitae), Labcorp
Classification: Pathogenic. Last evaluated: 2024-02-11. Review status: criteria provided, single submitter. Criteria: Invitae Variant Classification Sherloc (09022015). Collection method: clinical testing. Allele origin: germline.
Comment: This sequence change creates a premature translational stop signal (p.Gln33*) in the GRHPR gene. It is expected to result in an absent or disrupted protein product. Loss-of-function variants in GRHPR are known to be pathogenic (PMID: 25644115). This variant is not present in population databases (gnomAD no frequency). This variant has not been reported in the literature in individuals affected with GRHPR-related conditions. For these reasons, this variant has been classified as Pathogenic.

Fulgent Genetics
Classification: Pathogenic for Primary hyperoxaluria, type II. Last evaluated: 2024-02-10. Review status: criteria provided, single submitter. Criteria: ACMG Guidelines, 2015. Collection method: clinical testing. Allele origin: germline.

Literature cited by the submitters: PubMed 25644115 (cited by Labcorp Genetics (formerly Invitae), Labcorp).